The following is an entry in ClinVar:

NM_002547.3(OPHN1):c.2376-77G>T

Gene: OPHN1 (oligophrenin 1; minus strand). Cytogenetic location: Xq12.
Variant type: single nucleotide variant.
Coding change: c.2376-77G>T on transcript NM_002547.3 (MANE Select); 77 bases into the intron before coding-DNA position 2376, G replaced by T.
Molecular consequence: intron variant.
Genome position (GRCh38, 1-based): chrX:68,048,534, C>A on the plus strand (G>T on the coding strand, the complement: OPHN1 is on the minus strand). VCF-style: chrX-68048534-C-A. GRCh37 (hg19) VCF-style: chrX-67268376-C-A.
Identifiers: ClinVar variation 674158 (VCV000674158.2), dbSNP rs2148827, ClinGen allele CA15030411.

ClinVar aggregate classification (germline): Benign. Review status: criteria provided, multiple submitters, no conflicts (2 of 4 stars). 2 submissions from 2 submitters: Benign (2). Last evaluated 2018-06-14.

Allele frequency attached by ClinVar (database versions not stated): gnomAD exomes 0.10706; gnomAD 0.13580 and 0.13918; ESP Exome Variant Server 0.13944; TOPMed 0.16028; 1000 Genomes Project 0.21881; 1000 Genomes Project 30x 0.22393.
gnomAD v4.1: 102,586 of 918,108 alleles (11%); highest among the groups gnomAD compares: East Asian, 24%; 5,113 homozygotes.

Submissions (2):

GeneDx
Classification: Benign. Last evaluated: 2018-06-14. Review status: criteria provided, single submitter. Criteria: GeneDx Variant Classification (06012015). Collection method: clinical testing. Allele origin: germline. Affected: yes.
Comment: This variant is considered likely benign or benign based on one or more of the following criteria: it is a conservative change, it occurs at a poorly conserved position in the protein, it is predicted to be benign by multiple in silico algorithms, and/or has population frequency not consistent with disease.

Breakthrough Genomics
Classification: Benign. Review status: criteria provided, single submitter. Criteria: ACMG Guidelines, 2015. Collection method: not provided. Allele origin: germline. Inheritance: X-linked inheritance. Affected: yes.